The following is an entry in ClinVar:

ClinVar aggregate classification (germline): Uncertain significance (1 of 4 stars; one submission).

Conditions:
Inborn genetic diseases. Identifiers: MedGen C0950123, MeSH D030342.

Submission:

Ambry Genetics
Classification: Uncertain significance for Inborn genetic diseases. Last evaluated: 2023-05-28. Review status: criteria provided, single submitter. Criteria: Ambry Variant Classification Scheme 2023. Collection method: clinical testing. Allele origin: germline.
Comment: The p.H530N variant (also known as c.1588C>A), located in coding exon 12 of the ACD gene, results from a C to A substitution at nucleotide position 1588. The histidine at codon 530 is replaced by asparagine, an amino acid with similar properties. This amino acid position is conserved. In addition, this alteration is predicted to be tolerated by in silico analysis. Since supporting evidence is limited at this time, the clinical significance of this alteration remains unclear.

NM_001082486.2(ACD):c.1330C>A (p.His444Asn)

Gene: ACD (ACD shelterin complex subunit and telomerase recruitment factor; minus strand). Cytogenetic location: 16q22.1.
Variant type: single nucleotide variant.
Coding change: c.1330C>A on transcript NM_001082486.2 (MANE Select); coding-DNA position 1330, C replaced by A.
Protein change: p.His444Asn; replaces histidine 444 with asparagine.
Molecular consequence: missense variant.
Genome position (GRCh38, 1-based): chr16:67,657,653, G>T on the plus strand (C>A on the coding strand, the complement: ACD is on the minus strand). VCF-style: chr16-67657653-G-T. GRCh37 (hg19) VCF-style: chr16-67691556-G-T.
Other names: c.1243C>A, p.His415Asn (NM_001410884.1); c.1321C>A, p.His441Asn (NM_022914.3); short protein forms H415N, H441N, H444N.
Identifiers: ClinVar variation 2566766 (VCV002566766.2), dbSNP rs2543595803, ClinGen allele CA396349652.